The following is an entry in ClinVar:

NM_004415.4(DSP):c.924dup (p.Gln309fs)

Gene: DSP (desmoplakin; plus strand). Cytogenetic location: 6p24.3.
Variant type: Duplication.
Coding change: c.924dup on transcript NM_004415.4 (MANE Select); coding-DNA position 924, one base duplicated (A; older notation c.924dupA).
Protein change: p.Gln309fs; shifts the reading frame from glutamine 309.
Molecular consequence: frameshift variant.
Genome position (GRCh38, 1-based): chr6:7,565,505, A duplicated; the last of 3 consecutive A bases (chr6:7,565,503-7,565,505); duplicating any one gives the same sequence. VCF-style (leftmost placement, unchanged base first): chr6-7565502-G-GA. GRCh37 (hg19) VCF-style: chr6-7565735-G-GA.
Other names: c.924dup, p.Gln309fs (NM_001008844.3, NM_001319034.2); short protein forms Q309fs.
Identifiers: ClinVar variation 1354106 (VCV001354106.6), dbSNP rs2113669536, ClinGen allele CA2573140926.

ClinVar aggregate classification (germline): Pathogenic (1 of 4 stars; one submission).

Conditions:
Arrhythmogenic cardiomyopathy with wooly hair and keratoderma. Also called: Dilated cardiomyopathy with woolly hair and keratoderma; Arrhythmogenic cardiomyopathy with woolly hair and keratoderma; PALMOPLANTAR KERATODERMA WITH LEFT VENTRICULAR CARDIOMYOPATHY AND WOOLLY HAIR; Carvajal syndrome. Identifiers: Orphanet 65282, MedGen C1854063, MONDO:0011581, OMIM 605676.
Arrhythmogenic right ventricular dysplasia 8 (ARVD8). Also called: Arrhythmogenic Right Ventricular Dysplasia/Cardiomyopathy 8; ARRHYTHMOGENIC RIGHT VENTRICULAR DYSPLASIA, FAMILIAL, 8; ARRHYTHMOGENIC RIGHT VENTRICULAR CARDIOMYOPATHY 8. Identifiers: MedGen C1843896, MONDO:0011831, OMIM 607450.

Submission:

Labcorp Genetics (formerly Invitae), Labcorp
Classification: Pathogenic for Arrhythmogenic cardiomyopathy with wooly hair and keratoderma; Arrhythmogenic right ventricular dysplasia 8. Last evaluated: 2021-08-26. Review status: criteria provided, single submitter. Criteria: Invitae Variant Classification Sherloc (09022015). Collection method: clinical testing. Allele origin: germline.
Comment: This sequence change creates a premature translational stop signal (p.Gln309Thrfs*14) in the DSP gene. It is expected to result in an absent or disrupted protein product. Loss-of-function variants in DSP are known to be pathogenic (PMID: 20716751, 24503780, 25227139). This variant is not present in population databases (ExAC no frequency). This variant has not been reported in the literature in individuals affected with DSP-related conditions. For these reasons, this variant has been classified as Pathogenic.

Literature cited by the submitters: PubMed 20716751; PubMed 24503780; PubMed 25227139.